The following is an entry in ClinVar:

ClinVar aggregate classification (germline): Uncertain significance (1 of 4 stars; one submission).

Submission:

CeGaT Center for Human Genetics Tuebingen
Classification: Uncertain significance. Last evaluated: 2022-12-01. Review status: criteria provided, single submitter. Criteria: CeGaT Center For Human Genetics Tuebingen Variant Classification Criteria Version 2. Collection method: clinical testing. Allele origin: germline. Affected: yes. Observed: 1 variant allele.
Comment: COL6A3: PM2

NM_004369.4(COL6A3):c.3430T>C (p.Ser1144Pro)

Gene: COL6A3 (collagen type VI alpha 3 chain; minus strand). Cytogenetic location: 2q37.3.
Variant type: single nucleotide variant.
Coding change: c.3430T>C on transcript NM_004369.4 (MANE Select); coding-DNA position 3430, T replaced by C.
Protein change: p.Ser1144Pro; replaces serine 1144 with proline.
Molecular consequence: missense variant.
Genome position (GRCh38, 1-based): chr2:237,374,661, A>G on the plus strand (T>C on the coding strand, the complement: COL6A3 is on the minus strand). VCF-style: chr2-237374661-A-G. GRCh37 (hg19) VCF-style: chr2-238283304-A-G.
Other names: c.2209T>C, p.Ser737Pro (NM_057164.5); c.2812T>C, p.Ser938Pro (NM_057165.5, NM_057167.4); c.1609T>C, p.Ser537Pro (NM_057166.5); short protein forms S1144P, S537P, S737P, S938P.
Identifiers: ClinVar variation 2652048 (VCV002652048.24), dbSNP rs2469905701, ClinGen allele CA351202939.